The following is an entry in ClinVar:

NC_000009.11:g.(?_111631385)_(111663971_?)del

Gene: ELP1 (elongator acetyltransferase complex subunit 1; minus strand). Cytogenetic location: 9q31.3.
Variant type: Deletion.
Identifiers: ClinVar variation 2424716 (VCV002424716.2).

ClinVar aggregate classification (germline): Pathogenic (1 of 4 stars; one submission).

Submission:

Labcorp Genetics (formerly Invitae), Labcorp
Classification: Pathogenic. Last evaluated: 2022-06-25. Review status: criteria provided, single submitter. Criteria: Invitae Variant Classification Sherloc (09022015). Collection method: clinical testing. Allele origin: germline.
Comment: This variant is a gross deletion of the genomic region encompassing exon(s) 17-37 of the ELP1 gene, which includes the termination codon. This deletion extends beyond the assayed region for this gene and therefore may encompass additional genes. While this deletion is not anticipated to lead to nonsense mediated decay, it is expected to alter mRNA translation or result in a truncated protein product. This variant has not been reported in the literature in individuals affected with ELP1-related conditions. This variant disrupts a region of the ELP1 protein in which other variant(s) (p.Arg696Pro) have been determined to be pathogenic (PMID: 11179008, 11179021, 12116234). This suggests that this is a clinically significant region of the protein, and that variants that disrupt it are likely to be disease-causing. For these reasons, this variant has been classified as Pathogenic.

Literature cited by the submitters: PubMed 11179008; PubMed 11179021; PubMed 12116234.